The following is an entry in ClinVar:

ClinVar aggregate classification (germline): Uncertain significance (1 of 4 stars; one submission).

Allele frequency attached by ClinVar (database versions not stated): gnomAD exomes below 0.00001.
gnomAD v4.1: 2 of 1,613,916 alleles (0.00012%); highest among the groups gnomAD compares: Non-Finnish European, 0.00017%; no homozygotes.

Submission:

Labcorp Genetics (formerly Invitae), Labcorp
Classification: Uncertain significance. Last evaluated: 2022-09-01. Review status: criteria provided, single submitter. Criteria: Invitae Variant Classification Sherloc (09022015). Collection method: clinical testing. Allele origin: germline.
Comment: In summary, the available evidence is currently insufficient to determine the role of this variant in disease. Therefore, it has been classified as a Variant of Uncertain Significance. Algorithms developed to predict the effect of missense changes on protein structure and function are either unavailable or do not agree on the potential impact of this missense change (SIFT: "Deleterious"; PolyPhen-2: "Probably Damaging"; Align-GVGD: "Class C0"). ClinVar contains an entry for this variant (Variation ID: 836887). This variant has not been reported in the literature in individuals affected with SLC25A12-related conditions. This variant is not present in population databases (gnomAD no frequency). This sequence change replaces tyrosine, which is neutral and polar, with histidine, which is basic and polar, at codon 236 of the SLC25A12 protein (p.Tyr236His).

NM_003705.5(SLC25A12):c.706T>C (p.Tyr236His)

Gene: SLC25A12 (solute carrier family 25 member 12; minus strand). Cytogenetic location: 2q31.1.
Variant type: single nucleotide variant.
Coding change: c.706T>C on transcript NM_003705.5 (MANE Select); coding-DNA position 706, T replaced by C.
Protein change: p.Tyr236His; replaces tyrosine 236 with histidine.
Molecular consequence: missense variant. On other transcripts: non-coding transcript variant (1).
Genome position (GRCh38, 1-based): chr2:171,834,772, A>G on the plus strand (T>C on the coding strand, the complement: SLC25A12 is on the minus strand). VCF-style: chr2-171834772-A-G. GRCh37 (hg19) VCF-style: chr2-172691282-A-G.
Other names: short protein forms Y236H.
Identifiers: ClinVar variation 836887 (VCV000836887.9), dbSNP rs1684521797, ClinGen allele CA349620925.